The following is an entry in ClinVar:

ClinVar aggregate classification (germline): Uncertain significance. Review status: criteria provided, multiple submitters, no conflicts (2 of 4 stars). 2 submissions from 2 submitters: Uncertain significance (2). Last evaluated 2023-07-07.

Conditions:
Facioscapulohumeral muscular dystrophy 2 (FSHD2). Also called: MUSCULAR DYSTROPHY, FACIOSCAPULOHUMERAL, TYPE 1B; FACIOSCAPULOHUMERAL MUSCULAR DYSTROPHY 2, DIGENIC; FSHD2, DIGENIC. Identifiers: Orphanet 269, MedGen C1834671, MONDO:0008031, OMIM 158901.

Submissions (2):

Labcorp Genetics (formerly Invitae), Labcorp
Classification: Uncertain significance for Facioscapulohumeral muscular dystrophy 2. Last evaluated: 2023-07-07. Review status: criteria provided, single submitter. Criteria: Invitae Variant Classification Sherloc (09022015). Collection method: clinical testing. Allele origin: germline.
Comment: This variant has not been reported in the literature in individuals affected with SMCHD1-related conditions. In summary, the available evidence is currently insufficient to determine the role of this variant in disease. Therefore, it has been classified as a Variant of Uncertain Significance. Advanced modeling of protein sequence and biophysical properties (such as structural, functional, and spatial information, amino acid conservation, physicochemical variation, residue mobility, and thermodynamic stability) performed at Invitae indicates that this missense variant is not expected to disrupt SMCHD1 protein function. This variant is not present in population databases (gnomAD no frequency). This sequence change replaces glycine, which is neutral and non-polar, with valine, which is neutral and non-polar, at codon 1385 of the SMCHD1 protein (p.Gly1385Val).

GeneDx
Classification: Uncertain significance. Last evaluated: 2023-06-21. Review status: criteria provided, single submitter. Criteria: GeneDx Variant Classification Process June 2021. Collection method: clinical testing. Allele origin: germline. Affected: yes.
Comment: Has not been previously published as pathogenic or benign to our knowledge; Not observed at significant frequency in large population cohorts (gnomAD); In silico analysis supports that this missense variant has a deleterious effect on protein structure/function

NM_015295.3(SMCHD1):c.4154G>T (p.Gly1385Val)

Gene: SMCHD1 (structural maintenance of chromosomes flexible hinge domain containing 1; plus strand). Cytogenetic location: 18p11.32.
Variant type: single nucleotide variant.
Coding change: c.4154G>T on transcript NM_015295.3 (MANE Select); coding-DNA position 4154, G replaced by T.
Protein change: p.Gly1385Val; replaces glycine 1385 with valine.
Molecular consequence: missense variant.
Genome position (GRCh38, 1-based): chr18:2,750,496, G>T. VCF-style: chr18-2750496-G-T. GRCh37 (hg19) VCF-style: chr18-2750494-G-T.
Other names: c.4154G>T (NM_015295.2); short protein forms G1385V.
Identifiers: ClinVar variation 2855631 (VCV002855631.4), dbSNP rs2510121547, ClinGen allele CA401692356.